The following is an entry in ClinVar:

NM_021942.6(TRAPPC11):c.3313A>G (p.Asn1105Asp)

Gene: TRAPPC11 (trafficking protein particle complex subunit 11; plus strand). Cytogenetic location: 4q35.1.
Variant type: single nucleotide variant.
Coding change: c.3313A>G on transcript NM_021942.6 (MANE Select); coding-DNA position 3313, A replaced by G.
Protein change: p.Asn1105Asp; replaces asparagine 1105 with aspartic acid.
Molecular consequence: missense variant. On other transcripts: intron variant (1).
Genome position (GRCh38, 1-based): chr4:183,708,530, A>G. VCF-style: chr4-183708530-A-G. GRCh37 (hg19) VCF-style: chr4-184629683-A-G.
Other names: p.Asn1105Asp; c.3200-6A>G (NM_199053.3); short protein forms N1105D.
Identifiers: ClinVar variation 840194 (VCV000840194.7), dbSNP rs770901450, ClinGen allele CA3152498.

ClinVar aggregate classification (germline): Uncertain significance. Review status: criteria provided, multiple submitters, no conflicts (2 of 4 stars). 2 submissions from 2 submitters: Uncertain significance (2). Last evaluated 2024-09-05.

Conditions:
Autosomal recessive limb-girdle muscular dystrophy type R18 (LGMDR18). Also called: MUSCULAR DYSTROPHY, LIMB-GIRDLE, AUTOSOMAL RECESSIVE 18; Autosomal recessive limb-girdle muscular dystrophy type 2S; Limb-girdle muscular dystrophy, type 2S. Identifiers: Orphanet 369840, MedGen C4517996, MONDO:0014144, OMIM 615356.

Allele frequency attached by ClinVar (database versions not stated): gnomAD exomes below 0.00001; TOPMed below 0.00001; ExAC 0.00001.
gnomAD v4.1: 5 of 1,614,108 alleles (0.00031%); highest among the groups gnomAD compares: Non-Finnish European, 0.00042%; no homozygotes.

Submissions (2):

Mayo Clinic Laboratories, Mayo Clinic
Classification: Uncertain significance. Last evaluated: 2024-09-05. Review status: criteria provided, single submitter. Criteria: ACMG Guidelines, 2015. Collection method: clinical testing. Allele origin: germline. Observed: 1 variant allele.
Comment: BP4, PM2

Labcorp Genetics (formerly Invitae), Labcorp
Classification: Uncertain significance for Autosomal recessive limb-girdle muscular dystrophy type R18. Last evaluated: 2021-09-01. Review status: criteria provided, single submitter. Criteria: Invitae Variant Classification Sherloc (09022015). Collection method: clinical testing. Allele origin: germline.
Comment: This sequence change replaces asparagine with aspartic acid at codon 1105 of the TRAPPC11 protein (p.Asn1105Asp). The asparagine residue is moderately conserved and there is a small physicochemical difference between asparagine and aspartic acid. The frequency data for this variant in the population databases is considered unreliable, as metrics indicate poor data quality at this position in the ExAC database. This variant has not been reported in the literature in individuals affected with TRAPPC11-related conditions. Algorithms developed to predict the effect of missense changes on protein structure and function (SIFT, PolyPhen-2, Align-GVGD) all suggest that this variant is likely to be tolerated. Algorithms developed to predict the effect of sequence changes on RNA splicing suggest that this variant may create or strengthen a splice site. In summary, the available evidence is currently insufficient to determine the role of this variant in disease. Therefore, it has been classified as a Variant of Uncertain Significance.